The following is an entry in ClinVar:

ClinVar aggregate classification (germline): Uncertain significance (1 of 4 stars; one submission).

gnomAD v4.1: 1 of 1,611,090 alleles (0.000062%); highest among the groups gnomAD compares: Non-Finnish European, 0.000085%; no homozygotes.

Submission:

Dasa
Classification: Uncertain significance. Last evaluated: 2026-06-05. Review status: criteria provided, single submitter. Criteria: DASA Assertion Criteria. Collection method: clinical testing. Allele origin: germline.
Comment: NM_182641.4(BPTF):c.4303A>G (p.Asn1435Asp) is a missense variant that results in the substitution of asparagine with aspartic acid. This variant is rare in population databases. Computational prediction algorithms are consistent with a benign effect. The currently available literature and clinical evidence are not sufficient to establish a definitive association between this variant and the reported condition. Therefore, this variant is classified as a variant of uncertain significance.

NM_182641.4(BPTF):c.4303A>G (p.Asn1435Asp)

Gene: BPTF (bromodomain PHD finger transcription factor; plus strand). Cytogenetic location: 17q24.2.
Variant type: single nucleotide variant.
Coding change: c.4303A>G on transcript NM_182641.4 (MANE Select); coding-DNA position 4303, A replaced by G.
Protein change: p.Asn1435Asp; replaces asparagine 1435 with aspartic acid.
Molecular consequence: missense variant.
Genome position (GRCh38, 1-based): chr17:67,912,187, A>G. VCF-style: chr17-67912187-A-G. GRCh37 (hg19) VCF-style: chr17-65908303-A-G.
Other names: c.4492A>G, p.Asn1498Asp (NM_001439139.1, NM_001439141.1, NM_001439143.1 and 1 more transcripts); c.4681A>G, p.Asn1561Asp (NM_001439140.1, NM_001439142.1, NM_004459.7); short protein forms N1435D, N1498D, N1561D.
Identifiers: ClinVar variation 5020426 (VCV005020426.1).